The following is an entry in ClinVar:

NM_000435.3(NOTCH3):c.145T>G (p.Cys49Gly)

Gene: NOTCH3 (notch receptor 3; minus strand). Cytogenetic location: 19p13.12.
Variant type: single nucleotide variant.
Coding change: c.145T>G on transcript NM_000435.3 (MANE Select); coding-DNA position 145, T replaced by G.
Protein change: p.Cys49Gly; replaces cysteine 49 with glycine.
Molecular consequence: missense variant.
Genome position (GRCh38, 1-based): chr19:15,197,552, A>C on the plus strand (T>G on the coding strand, the complement: NOTCH3 is on the minus strand). VCF-style: chr19-15197552-A-C. GRCh37 (hg19) VCF-style: chr19-15308363-A-C.
Other names: p.Cys49Gly; short protein forms C49G.
Identifiers: ClinVar variation 585596 (VCV000585596.13), dbSNP rs1555730197, ClinGen allele CA404483409.
Genomic context (GRCh38, chr19:15,197,552, plus strand): 5'-GCACTCACAGGCAGGCAGCCTCCCGGGAGGGCAGCTGGGTGCAACGACCTCCATTTGCAC[A>C]CGGGCTTCCGTCCAGGCAAGGGGGGGCTGTGTGGGGGTGAAGGAAGGTGGAGGATCAGCC-3'
Protein context (NP_000426.2, residues 39-59): AAPPCLDGSP[Cys49Gly]ANGGRCTQLP

ClinVar aggregate classification (germline): Pathogenic/Likely pathogenic. Review status: criteria provided, multiple submitters, no conflicts (2 of 4 stars). 6 submissions from 6 submitters: Pathogenic (5); Likely pathogenic (1). Last evaluated 2026-01-19.

Conditions:
Lateral meningocele syndrome (LMNS). Also called: NOTCH3-Related Lateral Meningocele Syndrome. Identifiers: Orphanet 2789, MedGen C1851710, MONDO:0007537, OMIM 130720.
Cerebral arteriopathy, autosomal dominant, with subcortical infarcts and leukoencephalopathy, type 1 (CADASIL1). Also called: CADASIL 1; CASIL; Cerebral arteriopathy with subcortical infarcts and leukoencephalopathy 1; DEMENTIA, HEREDITARY MULTIINFARCT TYPE. Identifiers: Orphanet 136, MedGen C4551768, MONDO:0000914, OMIM 125310.
Myofibromatosis, infantile, 2. Identifiers: Orphanet 2591, MedGen C3809084, MONDO:0014122, OMIM 615293.

Submissions (6):

Labcorp Genetics (formerly Invitae), Labcorp
Classification: Pathogenic. Last evaluated: 2026-01-19. Review status: criteria provided, single submitter. Criteria: Invitae Variant Classification Sherloc (09022015). Collection method: clinical testing. Allele origin: germline.
Comment: This sequence change replaces cysteine, which is neutral and slightly polar, with glycine, which is neutral and non-polar, at codon 49 of the NOTCH3 protein (p.Cys49Gly). This variant is not present in population databases (gnomAD no frequency). This missense change has been observed in individuals with NOTCH3-related conditions (PMID: 17389000; internal data). ClinVar contains an entry for this variant (Variation ID: 585596). Invitae Evidence Modeling of protein sequence and biophysical properties (such as structural, functional, and spatial information, amino acid conservation, physicochemical variation, residue mobility, and thermodynamic stability) indicates that this missense variant is expected to disrupt NOTCH3 protein function with a positive predictive value of 95%. This variant disrupts the p.Cys49 amino acid residue in NOTCH3. Other variant(s) that disrupt this residue have been determined to be pathogenic (PMID: 9388399, 19174371, 19180562, 20935329, 23028706). This suggests that this residue is clinically significant, and that variants that disrupt this residue are likely to be disease-causing. For these reasons, this variant has been classified as Pathogenic.

Women's Health and Genetics/Laboratory Corporation of America, LabCorp
Classification: Pathogenic for Cerebral arteriopathy, autosomal dominant, with subcortical infarcts and leukoencephalopathy, type 1. Last evaluated: 2025-04-16. Review status: criteria provided, single submitter. Criteria: LabCorp Variant Classification Summary - May 2015. Collection method: clinical testing. Allele origin: germline.
Comment: Variant summary: NOTCH3 c.145T>G (p.Cys49Gly) results in a non-conservative amino acid change located in the EGF-like domain (IPR000742) of the encoded protein sequence. Five of five in-silico tools predict a damaging effect of the variant on protein function. The variant was absent in 245298 control chromosomes. c.145T>G has been observed in individual(s) affected with Cerebral arteriopathy, autosomal dominant, with subcortical infarcts and leukoencephalopathy, type 1 (example, Oki_2007). These data indicate that the variant may be associated with disease. To our knowledge, no experimental evidence demonstrating an impact on protein function has been reported. At least 2 pathogenic variants affecting the same codon, resulting in different amino acid effects, have been reported in ClinVar (p.Cys49Tyr, and p.Cys49Phe). In addition, a different variant with the same amino acid effect that has been classified as Pathogenic in ClinVar (c.145T>C (p.Cys49Arg)). The following publications has been ascertained in the context of this evaluation (PMID: 17389000). ClinVar contains an entry for this variant (Variation ID: 585596). Based on the evidence outlined above, the variant was classified as pathogenic.

ARUP Laboratories, Molecular Genetics and Genomics, ARUP Laboratories
Classification: Likely pathogenic. Last evaluated: 2025-04-14. Review status: criteria provided, single submitter. Criteria: ARUP Molecular Germline Variant Investigation Process 2024. Collection method: clinical testing. Allele origin: germline.
Comment: The NOTCH3 c.145T>G; p.Cys49Gly variant (rs1555730197, ClinVar Variation ID: 585596) is reported in the literature in a father and son affected with CADASIL (Oki 2007). This variant is absent from the Genome Aggregation Database (v2.1.1), indicating it is not a common polymorphism. Computational analyses predict that this variant is deleterious (REVEL: 0.832). Most pathogenic NOTCH3 variants occur in exons 2-24 and either create or destroy a cysteine residue within an EGF-like domain (Rutten 2014), and thus the p.Cys49Gly variant is consistent with the predominant mechanism of disease in NOTCH3. Additionally, other amino acid substitutions at this codon (Arg, Phe, Tyr) have been reported in individuals with CADASIL and are considered disease causing (Joutel 1997, Opherk 2004, Wang 2011). Based on available information, this variant is considered to be likely pathogenic. References: Joutel A et al. Strong clustering and stereotyped nature of Notch3 mutations in CADASIL patients. Lancet. 1997 Nov 22;350(9090):1511-5. PMID: 9388399. Oki K et al. Novel mutation of the Notch3 gene in a Japanese patient with CADASIL. Eur J Neurol. 2007 Apr;14(4):464-6. PMID: 17389000. Opherk C et al. Long-term prognosis and causes of death in CADASIL: a retrospective study in 411 patients. Brain. 2004 Nov;127(Pt 11):2533-9. PMID: 15364702. Rutten JW et al. Interpretation of NOTCH3 mutations in the diagnosis of CADASIL. Expert Rev Mol Diagn. 2014 Jun;14(5):593-603. PMID: 24844136 Wang Z et al. NOTCH3 mutations and clinical features in 33 mainland Chinese families with CADASIL. J Neurol Neurosurg Psychiatry. 2011 May;82(5):534-9. PMID: 20935329.

Mayo Clinic Laboratories, Mayo Clinic
Classification: Pathogenic. Last evaluated: 2024-04-29. Review status: criteria provided, single submitter. Criteria: ACMG Guidelines, 2015. Collection method: clinical testing. Allele origin: germline. Observed: 1 variant allele.
Comment: PP3, PP4, PM1, PM2_moderate, PM5, PS4_moderate

Fulgent Genetics
Classification: Pathogenic for Cerebral arteriopathy, autosomal dominant, with subcortical infarcts and leukoencephalopathy, type 1; Lateral meningocele syndrome; Myofibromatosis, infantile, 2. Last evaluated: 2022-01-05. Review status: criteria provided, single submitter. Criteria: ACMG Guidelines, 2015. Collection method: clinical testing. Allele origin: unknown.

Athena Diagnostics
Classification: Pathogenic. Last evaluated: 2020-09-29. Review status: criteria provided, single submitter. Criteria: Athena Diagnostics criteria. Collection method: clinical testing. Allele origin: unknown.
Comment: This variant has not been reported in large, multi-ethnic general populations. This variant has been identified in at least one individual with clinical features associated with this gene. At least one other missense variant at this codon is considered to be pathogenic or likely pathogenic, suggesting this variant may also cause disease. This variant alters a critical location within the protein, and is expected to severely affect function and cause disease. Greater than 90% of NOTCH3 pathogenic mutations associated with CADASIL involve the gain or loss of a cysteine residue within the epidermal growth factor (EGF)-like repeat domain (PMID: 32457593, 20301673).

Literature cited by the submitters: PubMed 17389000 (cited by 4 submitters); PubMed 9388399 (cited by Labcorp Genetics (formerly Invitae), Labcorp); PubMed 19174371 (cited by Labcorp Genetics (formerly Invitae), Labcorp); PubMed 19180562 (cited by Labcorp Genetics (formerly Invitae), Labcorp); PubMed 20935329 (cited by Labcorp Genetics (formerly Invitae), Labcorp); PubMed 23028706 (cited by Labcorp Genetics (formerly Invitae), Labcorp); PubMed 16871402 (cited by Mayo Clinic Laboratories, Mayo Clinic).